The following is an entry in ClinVar:

NM_014141.6(CNTNAP2):c.512G>A (p.Arg171His)

Gene: CNTNAP2 (contactin associated protein 2; plus strand). Cytogenetic location: 7q35.
Variant type: single nucleotide variant.
Coding change: c.512G>A on transcript NM_014141.6 (MANE Select); coding-DNA position 512, G replaced by A.
Protein change: p.Arg171His; replaces arginine 171 with histidine.
Molecular consequence: missense variant.
Genome position (GRCh38, 1-based): chr7:147,044,016, G>A. VCF-style: chr7-147044016-G-A. GRCh37 (hg19) VCF-style: chr7-146741108-G-A.
Other names: short protein forms R171H.
Identifiers: ClinVar variation 951300 (VCV000951300.8), dbSNP rs368487049, ClinGen allele CA4545803.

ClinVar aggregate classification (germline): Uncertain significance. Review status: criteria provided, multiple submitters, no conflicts (2 of 4 stars). 2 submissions from 2 submitters: Uncertain significance (2). Last evaluated 2025-05-27.

Conditions:
Cortical dysplasia-focal epilepsy syndrome (PTHSL1). Also called: Pitt-Hopkins-like syndrome 1. Identifiers: Orphanet 163681, Orphanet 221150, MedGen C2750246, MONDO:0012400, OMIM 610042.

Allele frequency attached by ClinVar (database versions not stated): TOPMed 0.00009.
gnomAD v4.1: 22 of 1,614,134 alleles (0.0014%); highest among the groups gnomAD compares: African/African-American, 0.016%; no homozygotes.

Submissions (2):

GeneDx
Classification: Uncertain significance. Last evaluated: 2025-05-27. Review status: criteria provided, single submitter. Criteria: GeneDx Variant Classification Process June 2021. Collection method: clinical testing. Allele origin: germline. Affected: yes.
Comment: Not observed at significant frequency in large population cohorts (gnomAD); In silico analysis supports that this missense variant has a deleterious effect on protein structure/function; Has not been previously published as pathogenic or benign to our knowledge

Labcorp Genetics (formerly Invitae), Labcorp
Classification: Uncertain significance for Cortical dysplasia-focal epilepsy syndrome. Last evaluated: 2022-09-04. Review status: criteria provided, single submitter. Criteria: Invitae Variant Classification Sherloc (09022015). Collection method: clinical testing. Allele origin: germline.
Comment: This sequence change replaces arginine, which is basic and polar, with histidine, which is basic and polar, at codon 171 of the CNTNAP2 protein (p.Arg171His). This variant is present in population databases (rs368487049, gnomAD 0.01%). This variant has not been reported in the literature in individuals affected with CNTNAP2-related conditions. ClinVar contains an entry for this variant (Variation ID: 951300). Algorithms developed to predict the effect of missense changes on protein structure and function output the following: SIFT: "Tolerated"; PolyPhen-2: "Benign"; Align-GVGD: "Class C0". The histidine amino acid residue is found in multiple mammalian species, which suggests that this missense change does not adversely affect protein function. In summary, the available evidence is currently insufficient to determine the role of this variant in disease. Therefore, it has been classified as a Variant of Uncertain Significance.